The following is an entry in ClinVar:

ClinVar aggregate classification (germline): Likely pathogenic (1 of 4 stars; one submission).

Conditions:
ZEB2-related disorder. Also called: ZEB2-related condition.

Submission:

PreventionGenetics, part of Exact Sciences
Classification: Likely pathogenic for ZEB2-related condition. Last evaluated: 2023-09-11. Review status: criteria provided, single submitter. Criteria: ACMG Guidelines, 2015. Collection method: clinical testing. Allele origin: germline.
Comment: The ZEB2 c.1648C>T variant is predicted to result in premature protein termination (p.Gln550*). To our knowledge, this variant has not been reported in the literature or in a large population database, indicating this variant is rare. Nonsense variants in ZEB2 are expected to be pathogenic. This variant is interpreted as likely pathogenic.

NM_014795.4(ZEB2):c.1648C>T (p.Gln550Ter)

Gene: ZEB2 (zinc finger E-box binding homeobox 2; minus strand). Cytogenetic location: 2q22.3.
Variant type: single nucleotide variant.
Coding change: c.1648C>T on transcript NM_014795.4 (MANE Select); coding-DNA position 1648, C replaced by T.
Protein change: p.Gln550Ter; replaces glutamine 550 with a stop codon.
Molecular consequence: nonsense.
Genome position (GRCh38, 1-based): chr2:144,399,539, G>A on the plus strand (C>T on the coding strand, the complement: ZEB2 is on the minus strand). VCF-style: chr2-144399539-G-A. GRCh37 (hg19) VCF-style: chr2-145157106-G-A.
Other names: c.1576C>T, p.Gln526Ter (NM_001171653.2); short protein forms Q526*, Q550*.
Identifiers: ClinVar variation 2630935 (VCV002630935.1), dbSNP rs2549106613, ClinGen allele CA348710522.